The following is an entry in ClinVar:

NM_000152.5(GAA):c.2347C>T (p.Leu783Phe)

Gene: GAA (alpha glucosidase; plus strand). Cytogenetic location: 17q25.3.
Variant type: single nucleotide variant.
Coding change: c.2347C>T on transcript NM_000152.5 (MANE Select); coding-DNA position 2347, C replaced by T.
Protein change: p.Leu783Phe; replaces leucine 783 with phenylalanine.
Molecular consequence: missense variant.
Genome position (GRCh38, 1-based): chr17:80,117,615, C>T. VCF-style: chr17-80117615-C-T. GRCh37 (hg19) VCF-style: chr17-78091414-C-T.
Other names: c.2347C>T, p.Leu783Phe (NM_001079803.3, NM_001079804.3); short protein forms L783F.
Identifiers: ClinVar variation 970434 (VCV000970434.12), dbSNP rs762310752, ClinGen allele CA8815716.

ClinVar aggregate classification (germline): Uncertain significance. Review status: criteria provided, single submitter (1 of 4 stars). 2 submissions from 2 submitters: Uncertain significance (1). 1 of the submissions does not count toward it. Last evaluated 2023-10-28.

Conditions:
Glycogen storage disease, type II (IOPD). Also called: Glucosidase acid-1,4-alpha deficiency; Pompe Disease; GLYCOGENOSIS, GENERALIZED, CARDIAC FORM; GSD II; Glycogen storage disease type 2; Acid maltase deficiency disease. Identifiers: Orphanet 365, MedGen C0017921, MONDO:0009290, OMIM 232300.

Allele frequency attached by ClinVar (database versions not stated): gnomAD exomes below 0.00001; ExAC 0.00001; TOPMed 0.00001.
gnomAD v4.1: 1 of 1,612,866 alleles (0.000062%); highest among the groups gnomAD compares: East Asian, 0.0022%; no homozygotes.

Submissions (2):

Labcorp Genetics (formerly Invitae), Labcorp
Classification: Uncertain significance for Glycogen storage disease, type II. Last evaluated: 2023-10-28. Review status: criteria provided, single submitter. Criteria: Invitae Variant Classification Sherloc (09022015). Collection method: clinical testing. Allele origin: germline.
Comment: This sequence change replaces leucine, which is neutral and non-polar, with phenylalanine, which is neutral and non-polar, at codon 783 of the GAA protein (p.Leu783Phe). This variant is present in population databases (rs762310752, gnomAD 0.006%). This variant has not been reported in the literature in individuals affected with GAA-related conditions. ClinVar contains an entry for this variant (Variation ID: 970434). Advanced modeling of protein sequence and biophysical properties (such as structural, functional, and spatial information, amino acid conservation, physicochemical variation, residue mobility, and thermodynamic stability) performed at Invitae indicates that this missense variant is not expected to disrupt GAA protein function with a negative predictive value of 95%. In summary, the available evidence is currently insufficient to determine the role of this variant in disease. Therefore, it has been classified as a Variant of Uncertain Significance.

Natera, Inc.
Classification: Uncertain significance for Glycogen storage disease type II. Last evaluated: 2020-09-08. Review status: no assertion criteria provided. Collection method: clinical testing. Allele origin: germline. Not counted in ClinVar's aggregate classification.